The following is an entry in ClinVar:

ClinVar aggregate classification (germline): Conflicting classifications of pathogenicity. Review status: criteria provided, conflicting classifications (1 of 4 stars). 4 submissions from 4 submitters: Uncertain significance (3); Likely benign (1). Last evaluated 2026-01-07.

Conditions:
Cardiovascular phenotype. Identifiers: MedGen CN230736.
Long QT syndrome (LQTS). Identifiers: MedGen C0023976, MeSH D008133, MONDO:0002442. Disease mechanism: loss of function. Inheritance: Various modes of inheritance.
Autism spectrum disorder. Also called: Autism spectrum disorders. Identifiers: MedGen C1510586, MeSH D000067877, MONDO:0005258.

Allele frequency attached by ClinVar (database versions not stated): TOPMed 0.00001.
gnomAD v4.1: 10 of 1,613,244 alleles (0.00062%); highest among the groups gnomAD compares: Middle Eastern, 0.016%; no homozygotes.

Submissions (4):

Labcorp Genetics (formerly Invitae), Labcorp
Classification: Uncertain significance for Long QT syndrome. Last evaluated: 2026-01-07. Review status: criteria provided, single submitter. Criteria: Invitae Variant Classification Sherloc (09022015). Collection method: clinical testing. Allele origin: germline.
Comment: This sequence change replaces arginine, which is basic and polar, with histidine, which is basic and polar, at codon 895 of the CACNA1C protein (p.Arg895His). This variant is not present in population databases (gnomAD no frequency). This variant has not been reported in the literature in individuals affected with CACNA1C-related conditions. ClinVar contains an entry for this variant (Variation ID: 190656). Invitae Evidence Modeling of protein sequence and biophysical properties (such as structural, functional, and spatial information, amino acid conservation, physicochemical variation, residue mobility, and thermodynamic stability) has been performed for this missense variant. However, the output from this modeling did not meet the statistical confidence thresholds required to predict the impact of this variant on CACNA1C protein function. In summary, the available evidence is currently insufficient to determine the role of this variant in disease. Therefore, it has been classified as a Variant of Uncertain Significance.

GeneDx
Classification: Uncertain significance. Last evaluated: 2025-08-13. Review status: criteria provided, single submitter. Criteria: GeneDx Variant Classification Process June 2021. Collection method: clinical testing. Allele origin: germline. Affected: yes.
Comment: Not observed at significant frequency in large population cohorts (gnomAD); In silico analysis supports that this missense variant has a deleterious effect on protein structure/function; Has not been previously published as pathogenic or benign to our knowledge

Molecular Diagnostic Laboratory for Inherited Cardiovascular Disease, Montreal Heart Institute
Classification: Uncertain significance for Cardiovascular phenotype. Last evaluated: 2025-04-09. Review status: criteria provided, single submitter. Criteria: ACMG Guidelines, 2015. Collection method: clinical testing. Allele origin: germline. Affected: yes.

Department of Genetics, Rouen University Hospital, Normandy Center for Genomic and Personalized Medicine
Classification: Likely benign for Autism spectrum disorder. Last evaluated: 2021-08-13. Review status: criteria provided, single submitter. Criteria: ACMG Guidelines, 2015. Collection method: clinical testing. Allele origin: paternal. Affected: yes.

NM_000719.7(CACNA1C):c.2684G>A (p.Arg895His)

Gene: CACNA1C (calcium voltage-gated channel subunit alpha1 C; plus strand). Cytogenetic location: 12p13.33.
Variant type: single nucleotide variant.
Coding change: c.2684G>A on transcript NM_000719.7 (MANE Select); coding-DNA position 2684, G replaced by A.
Protein change: p.Arg895His; replaces arginine 895 with histidine.
Molecular consequence: missense variant.
Genome position (GRCh38, 1-based): chr12:2,595,894, G>A. VCF-style: chr12-2595894-G-A. GRCh37 (hg19) VCF-style: chr12-2705060-G-A.
Other names: p.R895H:CGC>CAC; c.2684G>A, p.Arg895His (NM_001129827.2, NM_001129829.2, NM_001129830.3 and 18 more transcripts); c.2675G>A, p.Arg892His (NM_001129844.2); c.2684G>A (NM_001129843.1, NM_199460.3); short protein forms R895H, R892H.
Identifiers: ClinVar variation 190656 (VCV000190656.25), dbSNP rs786205755, ClinGen allele CA301420.